The following is an entry in ClinVar:

NM_000257.4(MYH7):c.1834T>C (p.Ser612Pro)

Gene: MYH7 (myosin heavy chain 7; minus strand). Cytogenetic location: 14q11.2.
Variant type: single nucleotide variant.
Coding change: c.1834T>C on transcript NM_000257.4 (MANE Select); coding-DNA position 1834, T replaced by C.
Protein change: p.Ser612Pro; replaces serine 612 with proline.
Molecular consequence: missense variant.
Genome position (GRCh38, 1-based): chr14:23,427,639, A>G on the plus strand (T>C on the coding strand, the complement: MYH7 is on the minus strand). VCF-style: chr14-23427639-A-G. GRCh37 (hg19) VCF-style: chr14-23896848-A-G.
Other names: c.1834T>C, p.Ser612Pro (NM_001407004.1); short protein forms S612P.
Identifiers: ClinVar variation 2644105 (VCV002644105.26), dbSNP rs1005703927, ClinGen allele CA389049719.

ClinVar aggregate classification (germline): Conflicting classifications of pathogenicity. Review status: criteria provided, conflicting classifications (1 of 4 stars). 3 submissions from 3 submitters: Likely pathogenic (1); Uncertain significance (2). Last evaluated 2026-05-14.

Conditions:
Cardiovascular phenotype. Identifiers: MedGen CN230736.
Hypertrophic cardiomyopathy. Also called: HYPERTROPHIC MYOCARDIOPATHY. Identifiers: Orphanet 217569, MedGen C0007194, MeSH D002312, MONDO:0005045, HP:0001639.

gnomAD v4.1: 1 of 1,614,172 alleles (0.000062%); highest among the groups gnomAD compares: Non-Finnish European, 0.000085%; no homozygotes.

Submissions (3):

Ambry Genetics
Classification: Uncertain significance for Cardiovascular phenotype. Last evaluated: 2026-05-14. Review status: criteria provided, single submitter. Criteria: Ambry Variant Classification Scheme 2023. Collection method: clinical testing. Allele origin: germline.
Comment: The p.S612P variant (also known as c.1834T>C), located in coding exon 14 of the MYH7 gene, results from a T to C substitution at nucleotide position 1834. The serine at codon 612 is replaced by proline, an amino acid with similar properties. This variant was reported in individual(s) with features consistent with hypertrophic cardiomyopathy (HCM) (Berge KE et al. Clin Genet, 2014 Oct;86:355-60; Stava TT et al. Eur J Prev Cardiol, 2022 Oct;29:1789-1799). This variant is located in the myosin head domain, which contains a statistically significant clustering of pathogenic missense variants (Homburger JR et al. Proc Natl Acad Sci U S A, 2016 06;113:6701-6; Walsh R et al. Genet Med, 2017 02;19:192-203; Ambry internal data). This amino acid position is highly conserved in available vertebrate species. In addition, this alteration is predicted to be deleterious by in silico analysis. Based on the available evidence, the clinical significance of this variant remains unclear.

Lildballe Lab, Aarhus University Hospital
Classification: Likely pathogenic for Hypertrophic cardiomyopathy. Last evaluated: 2024-03-01. Review status: criteria provided, single submitter. Criteria: ACMG Guidelines, 2015. Collection method: research. Allele origin: germline. Affected: yes.
Comment: PM1(m), PM2(sup), PP3(sup)

CeGaT Center for Human Genetics Tuebingen
Classification: Uncertain significance. Last evaluated: 2023-06-01. Review status: criteria provided, single submitter. Criteria: CeGaT Center For Human Genetics Tuebingen Variant Classification Criteria Version 2. Collection method: clinical testing. Allele origin: germline. Affected: yes. Observed: 1 variant allele.
Comment: MYH7: PM1, PM2

Literature cited by the submitters: PubMed 24111713 (cited by Ambry Genetics); PubMed 35653365 (cited by Ambry Genetics); PubMed 25741894 (cited by Lildballe Lab, Aarhus University Hospital); PubMed 39481677 (cited by Lildballe Lab, Aarhus University Hospital).